The following is an entry in ClinVar:

NM_001077365.2(POMT1):c.1284_1285del (p.Asn428fs)

Gene: POMT1 (protein O-mannosyltransferase 1; plus strand). Cytogenetic location: 9q34.13.
Variant type: Deletion.
Coding change: c.1284_1285del on transcript NM_001077365.2 (MANE Select); coding-DNA positions 1284 to 1285, 2 bases deleted (CA; older notation c.1284_1285delCA).
Protein change: p.Asn428fs; shifts the reading frame from asparagine 428.
Molecular consequence: frameshift variant. On other transcripts: non-coding transcript variant (10).
Genome position (GRCh38, 1-based): chr9:131,518,456-131,518,457, CA deleted; deleting any 2 consecutive bases within chr9:131,518,455-131,518,457 gives the same sequence; the c. name uses the placement nearest the transcript's 3' end. VCF-style (leftmost placement, unchanged base first): chr9-131518454-AAC-A. GRCh37 (hg19) VCF-style: chr9-134393841-AAC-A.
Other names: c.1122_1123del, p.Asn374fs (NM_001077366.2, NM_001353194.2); c.1284_1285del, p.Asn428fs (NM_001136113.2, NM_001374690.1); c.933_934del, p.Asn311fs (NM_001136114.2, NM_001353195.2, NM_001374691.1 and 2 more transcripts); c.1350_1351del, p.Asn450fs (NM_001353193.2, NM_007171.4); c.1350_1351del (NM_007171.3); c.1194_1195del, p.Asn398fs (NM_001353196.2); c.1188_1189del, p.Asn396fs (NM_001353197.2, NM_001353198.2); c.999_1000del, p.Asn333fs (NM_001353199.2); and 4 more; short protein forms N298fs, N396fs, N398fs, N424fs, N374fs, N311fs, N428fs, N276fs.
Identifiers: ClinVar variation 2181474 (VCV002181474.8), dbSNP rs766240294, ClinGen allele CA5293651.

ClinVar aggregate classification (germline): Pathogenic/Likely pathogenic. Review status: criteria provided, multiple submitters, no conflicts (2 of 4 stars). 4 submissions from 4 submitters: Pathogenic (1); Likely pathogenic (3). Last evaluated 2024-03-26.

Conditions:
Muscular dystrophy-dystroglycanopathy (congenital with brain and eye anomalies), type A1 (MDDGA1). Also called: COD-MD SYNDROME; WALKER-WARBURG SYNDROME OR MUSCLE-EYE-BRAIN DISEASE, POMT1-RELATED; Hydrocephalus, agyria and retinal dysplasia; Hard +/- E syndrome; Warburg syndrome; Chemke syndrome. Identifiers: Orphanet 588, Orphanet 899, MedGen C4284790, MONDO:0009364, OMIM 236670.
Autosomal recessive limb-girdle muscular dystrophy type 2K. Also called: MUSCULAR DYSTROPHY-DYSTROGLYCANOPATHY (LIMB-GIRDLE), TYPE C, 1; MUSCULAR DYSTROPHY, LIMB-GIRDLE, TYPE 2K. Identifiers: Orphanet 86812, MedGen C1836373, MONDO:0012248, OMIM 609308.
Muscular dystrophy-dystroglycanopathy (congenital with impaired intellectual development), type B, 1. Also called: Muscular dystrophy-dystroglycanopathy (congenital with intellectual disability), type B1; MUSCULAR DYSTROPHY, CONGENITAL, POMT1-RELATED. Identifiers: MedGen C5436962, MONDO:0013159, OMIM 613155.
Walker-Warburg congenital muscular dystrophy. Also called: Muscular dystrophy-dystroglycanopathy, type A; Walker-Warburg syndrome. Identifiers: Orphanet 899, MedGen C0265221, MONDO:0000171.

Submissions (4):

Fulgent Genetics
Classification: Likely pathogenic for Muscular dystrophy-dystroglycanopathy (congenital with brain and eye anomalies), type A1; Autosomal recessive limb-girdle muscular dystrophy type 2K; Muscular dystrophy-dystroglycanopathy (congenital with impaired intellectual development), type B, 1. Last evaluated: 2024-03-26. Review status: criteria provided, single submitter. Criteria: ACMG Guidelines, 2015. Collection method: clinical testing. Allele origin: germline.

Baylor Genetics
Classification: Likely pathogenic for Muscular dystrophy-dystroglycanopathy (congenital with brain and eye anomalies), type A1. Last evaluated: 2024-03-15. Review status: criteria provided, single submitter. Criteria: ACMG Guidelines, 2015. Collection method: clinical testing. Allele origin: unknown.

Labcorp Genetics (formerly Invitae), Labcorp
Classification: Pathogenic for Muscular dystrophy-dystroglycanopathy (congenital with impaired intellectual development), type B, 1; Walker-Warburg congenital muscular dystrophy; Autosomal recessive limb-girdle muscular dystrophy type 2K. Last evaluated: 2024-01-31. Review status: criteria provided, single submitter. Criteria: Invitae Variant Classification Sherloc (09022015). Collection method: clinical testing. Allele origin: germline.
Comment: This sequence change creates a premature translational stop signal (p.Asn450Lysfs*4) in the POMT1 gene. It is expected to result in an absent or disrupted protein product. Loss-of-function variants in POMT1 are known to be pathogenic (PMID: 12369018, 15637732, 16575835). This variant is present in population databases (rs766240294, gnomAD 0.0009%). This variant has not been reported in the literature in individuals affected with POMT1-related conditions. ClinVar contains an entry for this variant (Variation ID: 2181474). For these reasons, this variant has been classified as Pathogenic.

Revvity Omics, Revvity
Classification: Likely pathogenic. Last evaluated: 2023-02-28. Review status: criteria provided, single submitter. Criteria: ACMG Guidelines, 2015. Collection method: clinical testing. Allele origin: germline.

Literature cited by the submitters: PubMed 12369018 (cited by Labcorp Genetics (formerly Invitae), Labcorp); PubMed 15637732 (cited by Labcorp Genetics (formerly Invitae), Labcorp); PubMed 16575835 (cited by Labcorp Genetics (formerly Invitae), Labcorp).